The following is an entry in ClinVar:

ClinVar aggregate classification (germline): Uncertain significance. Review status: criteria provided, multiple submitters, no conflicts (2 of 4 stars). 2 submissions from 2 submitters: Uncertain significance (2). Last evaluated 2026-08-10.

Conditions:
Hereditary cancer-predisposing syndrome. Also called: Tumor predisposition; Hereditary Cancer Syndrome; Hereditary neoplastic syndrome; Neoplastic Syndromes, Hereditary. Identifiers: Orphanet 140162, MedGen C0027672, MeSH D009386, MONDO:0015356.

Submissions (2):

Ambry Genetics
Classification: Uncertain significance for Hereditary cancer-predisposing syndrome. Last evaluated: 2026-08-10. Review status: criteria provided, single submitter. Criteria: Ambry Variant Classification Scheme 2023. Collection method: clinical testing. Allele origin: germline.
Comment: The p.N90I variant (also known as c.269A>T), located in coding exon 3 of the RAD50 gene, results from an A to T substitution at nucleotide position 269. The asparagine at codon 90 is replaced by isoleucine, an amino acid with dissimilar properties. This amino acid position is conserved. In addition, this alteration is predicted to be tolerated by in silico analysis. Based on the available evidence, the clinical significance of this variant remains unclear.

Labcorp Genetics (formerly Invitae), Labcorp
Classification: Uncertain significance for Hereditary cancer-predisposing syndrome. Last evaluated: 2020-09-05. Review status: criteria provided, single submitter. Criteria: Invitae Variant Classification Sherloc (09022015). Collection method: clinical testing. Allele origin: germline.
Comment: This sequence change replaces asparagine with isoleucine at codon 90 of the RAD50 protein (p.Asn90Ile). The asparagine residue is moderately conserved and there is a large physicochemical difference between asparagine and isoleucine. This variant is not present in population databases (ExAC no frequency). This variant has not been reported in the literature in individuals with RAD50-related conditions. Algorithms developed to predict the effect of missense changes on protein structure and function are either unavailable or do not agree on the potential impact of this missense change (SIFT: "Tolerated"; PolyPhen-2: "Possibly Damaging"; Align-GVGD: "Class C0"). In summary, the available evidence is currently insufficient to determine the role of this variant in disease. Therefore, it has been classified as a Variant of Uncertain Significance.

NM_005732.4(RAD50):c.269A>T (p.Asn90Ile)

Gene: RAD50 (RAD50 double strand break repair protein; plus strand). Cytogenetic location: 5q31.1.
Variant type: single nucleotide variant.
Coding change: c.269A>T on transcript NM_005732.4 (MANE Select); coding-DNA position 269, A replaced by T.
Protein change: p.Asn90Ile; replaces asparagine 90 with isoleucine.
Molecular consequence: missense variant.
Genome position (GRCh38, 1-based): chr5:132,575,832, A>T. VCF-style: chr5-132575832-A-T. GRCh37 (hg19) VCF-style: chr5-131911524-A-T.
Other names: c.269A>T (NM_005732.3); short protein forms N90I.
Identifiers: ClinVar variation 1016262 (VCV001016262.10), dbSNP rs876659915, ClinGen allele CA360930703.